The following is an entry in ClinVar:

NM_018063.5(HELLS):c.667A>G (p.Met223Val)

Gene: HELLS (helicase, lymphoid specific; plus strand). Cytogenetic location: 10q23.33.
Variant type: single nucleotide variant.
Coding change: c.667A>G on transcript NM_018063.5 (MANE Select); coding-DNA position 667, A replaced by G.
Protein change: p.Met223Val; replaces methionine 223 with valine.
Molecular consequence: missense variant. On other transcripts: 5 prime UTR variant (2).
Genome position (GRCh38, 1-based): chr10:94,574,149, A>G. VCF-style: chr10-94574149-A-G. GRCh37 (hg19) VCF-style: chr10-96333906-A-G.
Other names: c.667A>G, p.Met223Val (NM_001289067.2, NM_001289069.2, NM_001289070.2 and 1 more transcripts); c.619A>G, p.Met207Val (NM_001289068.2); c.295A>G, p.Met99Val (NM_001289071.2); c.253A>G, p.Met85Val (NM_001289073.2); c.-336A>G (NM_001289074.2); c.-355A>G (NM_001289075.2); short protein forms M223V, M85V, M207V, M99V.
Identifiers: ClinVar variation 3671515 (VCV003671515.2).

ClinVar aggregate classification (germline): Uncertain significance (1 of 4 stars; one submission).

Submission:

Labcorp Genetics (formerly Invitae), Labcorp
Classification: Uncertain significance. Last evaluated: 2024-03-27. Review status: criteria provided, single submitter. Criteria: Invitae Variant Classification Sherloc (09022015). Collection method: clinical testing. Allele origin: germline.
Comment: This sequence change replaces methionine, which is neutral and non-polar, with valine, which is neutral and non-polar, at codon 223 of the HELLS protein (p.Met223Val). This variant is not present in population databases (gnomAD no frequency). This variant has not been reported in the literature in individuals affected with HELLS-related conditions. An algorithm developed to predict the effect of missense changes on protein structure and function (PolyPhen-2) suggests that this variant is likely to be disruptive. In summary, the available evidence is currently insufficient to determine the role of this variant in disease. Therefore, it has been classified as a Variant of Uncertain Significance.